The following is an entry in ClinVar:

NM_000395.3(CSF2RB):c.1535G>A (p.Gly512Glu)

Gene: CSF2RB (colony stimulating factor 2 receptor subunit beta; plus strand). Cytogenetic location: 22q12.3.
Variant type: single nucleotide variant.
Coding change: c.1535G>A on transcript NM_000395.3 (MANE Select); coding-DNA position 1535, G replaced by A.
Protein change: p.Gly512Glu; replaces glycine 512 with glutamic acid.
Molecular consequence: missense variant.
Genome position (GRCh38, 1-based): chr22:36,936,619, G>A. VCF-style: chr22-36936619-G-A. GRCh37 (hg19) VCF-style: chr22-37332661-G-A.
Other names: c.1535G>A (NM_000395.2); short protein forms G512E.
Identifiers: ClinVar variation 1495681 (VCV001495681.6), dbSNP rs369144251, ClinGen allele CA10213911.

ClinVar aggregate classification (germline): Uncertain significance. Review status: criteria provided, multiple submitters, no conflicts (2 of 4 stars). 2 submissions from 2 submitters: Uncertain significance (2). Last evaluated 2025-07-29.

Conditions:
Inborn genetic diseases. Identifiers: MedGen C0950123, MeSH D030342.

Allele frequency attached by ClinVar (database versions not stated): gnomAD exomes 0.00001 and 0.00002; ExAC 0.00002; ESP Exome Variant Server 0.00008; gnomAD 0.00009 and 0.00011; TOPMed 0.00013.
gnomAD v4.1: 29 of 1,613,540 alleles (0.0018%); highest among the groups gnomAD compares: African/African-American, 0.036%; no homozygotes.

Submissions (2):

Labcorp Genetics (formerly Invitae), Labcorp
Classification: Uncertain significance. Last evaluated: 2025-07-29. Review status: criteria provided, single submitter. Criteria: Invitae Variant Classification Sherloc (09022015). Collection method: clinical testing. Allele origin: germline.
Comment: This sequence change replaces glycine, which is neutral and non-polar, with glutamic acid, which is acidic and polar, at codon 512 of the CSF2RB protein (p.Gly512Glu). This variant is present in population databases (rs369144251, gnomAD 0.03%). This variant has not been reported in the literature in individuals affected with CSF2RB-related conditions. ClinVar contains an entry for this variant (Variation ID: 1495681). Invitae Evidence Modeling of protein sequence and biophysical properties (such as structural, functional, and spatial information, amino acid conservation, physicochemical variation, residue mobility, and thermodynamic stability) indicates that this missense variant is not expected to disrupt CSF2RB protein function with a negative predictive value of 80%. In summary, the available evidence is currently insufficient to determine the role of this variant in disease. Therefore, it has been classified as a Variant of Uncertain Significance.

Ambry Genetics
Classification: Uncertain significance for Inborn genetic diseases. Last evaluated: 2025-01-29. Review status: criteria provided, single submitter. Criteria: Ambry Variant Classification Scheme 2023. Collection method: clinical testing. Allele origin: germline.